The following is an entry in ClinVar:

NM_000048.4(ASL):c.1078A>G (p.Met360Val)

Gene: ASL (argininosuccinate lyase; plus strand). Cytogenetic location: 7q11.21.
Variant type: single nucleotide variant.
Coding change: c.1078A>G on transcript NM_000048.4 (MANE Select); coding-DNA position 1078, A replaced by G.
Protein change: p.Met360Val; replaces methionine 360 with valine.
Molecular consequence: missense variant.
Genome position (GRCh38, 1-based): chr7:66,092,021, A>G. VCF-style: chr7-66092021-A-G. GRCh37 (hg19) VCF-style: chr7-65557008-A-G.
Other names: c.1078A>G, p.Met360Val (NM_001024943.2); c.1018A>G, p.Met340Val (NM_001024944.2); c.1000A>G, p.Met334Val (NM_001024946.2); short protein forms M334V, M360V, M340V.
Identifiers: ClinVar variation 1349828 (VCV001349828.7), dbSNP rs2115760128, ClinGen allele CA367650110.
Genomic context (GRCh38, chr7:66,092,021, plus strand): 5'-TCCCAGGGTCCCCAGGGCTCACCACTCGCCCACCTGTGCCCCCAGATTCACCAAGAGAAC[A>G]TGGGACAGGCTCTCAGCCCCGACATGCTGGCCACTGACCTTGCCTATTACCTGGTCCGCA-3'
Protein context (NP_000039.2, residues 350-370): ISTLQIHQEN[Met360Val]GQALSPDMLA

ClinVar aggregate classification (germline): Conflicting classifications of pathogenicity. Review status: criteria provided, conflicting classifications (1 of 4 stars). 2 submissions from 2 submitters: Likely pathogenic (1); Uncertain significance (1). Last evaluated 2025-09-05.

Conditions:
Argininosuccinate lyase deficiency. Also called: ARGININOSUCCINIC ACID LYASE DEFICIENCY; ASL DEFICIENCY; Argininosuccinic aciduria. Identifiers: Orphanet 23, MedGen C0268547, MONDO:0008815, OMIM 207900, HP:0025630.

Allele frequency attached by ClinVar (database versions not stated): gnomAD exomes below 0.00001.

Submissions (2):

Women's Health and Genetics/Laboratory Corporation of America, LabCorp
Classification: Uncertain significance. Last evaluated: 2025-09-05. Review status: criteria provided, single submitter. Criteria: LabCorp Variant Classification Summary - May 2015. Collection method: clinical testing. Allele origin: germline.
Comment: Variant summary: ASL c.1078A>G (p.Met360Val) results in a conservative amino acid change in the encoded protein sequence. Algorithms developed to predict the effect of missense changes on protein structure and function are either unavailable or do not agree on the potential impact of this missense change. The variant was absent in 250790 control chromosomes. The available data on variant occurrences in the general population are insufficient to allow any conclusion about variant significance. To our knowledge, no occurrence of c.1078A>G in individuals affected with ASL-related conditions and no experimental evidence demonstrating its impact on protein function have been reported. ClinVar contains an entry for this variant (Variation ID: 1349828). Based on the evidence outlined above, the variant was classified as uncertain significance.

Labcorp Genetics (formerly Invitae), Labcorp
Classification: Likely pathogenic for Argininosuccinate lyase deficiency. Last evaluated: 2021-10-31. Review status: criteria provided, single submitter. Criteria: Invitae Variant Classification Sherloc (09022015). Collection method: clinical testing. Allele origin: germline.
Comment: This variant is not present in population databases (gnomAD no frequency). In summary, the currently available evidence indicates that the variant is pathogenic, but additional data are needed to prove that conclusively. Therefore, this variant has been classified as Likely Pathogenic. This variant disrupts the p.Met360 amino acid residue in ASL. Other variant(s) that disrupt this residue have been determined to be pathogenic (PMID: 11747433; Invitae). This suggests that this residue is clinically significant, and that variants that disrupt this residue are likely to be disease-causing. Advanced modeling of protein sequence and biophysical properties (such as structural, functional, and spatial information, amino acid conservation, physicochemical variation, residue mobility, and thermodynamic stability) performed at Invitae indicates that this missense variant is expected to disrupt ASL protein function. This variant has not been reported in the literature in individuals affected with ASL-related conditions. This sequence change replaces methionine, which is neutral and non-polar, with valine, which is neutral and non-polar, at codon 360 of the ASL protein (p.Met360Val).

Literature cited by the submitters: PubMed 11747433 (cited by Labcorp Genetics (formerly Invitae), Labcorp).